The following is an entry in ClinVar:

NM_001267550.2(TTN):c.50452G>A (p.Glu16818Lys)

Genes: TTN (titin; minus strand), TTN-AS1 (TTN antisense RNA 1; plus strand). Cytogenetic location: 2q31.2.
Variant type: single nucleotide variant.
Coding change: c.50452G>A on transcript NM_001267550.2 (MANE Select); coding-DNA position 50452, G replaced by A.
Protein change: p.Glu16818Lys; replaces glutamic acid 16818 with lysine.
Molecular consequence: missense variant.
Genome position (GRCh38, 1-based): chr2:178,611,857, C>T on the plus strand (G>A on the coding strand, the complement: TTN is on the minus strand). VCF-style: chr2-178611857-C-T. GRCh37 (hg19) VCF-style: chr2-179476584-C-T.
Other names: c.45529G>A, p.Glu15177Lys (NM_001256850.1); c.23257G>A, p.Glu7753Lys (NM_003319.4); c.42748G>A, p.Glu14250Lys (NM_133378.4); c.23632G>A, p.Glu7878Lys (NM_133432.3); c.23833G>A, p.Glu7945Lys (NM_133437.4); short protein forms E16818K, E14250K, E7753K, E7878K, E7945K, E15177K.
Identifiers: ClinVar variation 47045 (VCV000047045.29), dbSNP rs397517600, ClinGen allele CA139845.

ClinVar aggregate classification (germline): Conflicting classifications of pathogenicity. Review status: criteria provided, conflicting classifications (1 of 4 stars). 7 submissions from 7 submitters: Uncertain significance (2); Benign (2); Likely benign (3). Last evaluated 2025-12-21.

Conditions:
TTN-related disorder. Also called: TTN-related condition; TTN-related disease; TTN-related disorders.
Cardiovascular phenotype. Identifiers: MedGen CN230736.
Autosomal recessive limb-girdle muscular dystrophy type 2J (LGMDR10). Also called: Limb-girdle muscular dystrophy, type 2J; MUSCULAR DYSTROPHY, LIMB-GIRDLE, AUTOSOMAL RECESSIVE 10. Identifiers: Orphanet 140922, MedGen C1837342, MONDO:0012127, OMIM 608807.
Dilated cardiomyopathy 1G (CMD1G). Identifiers: Orphanet 154, MedGen C1858763, MONDO:0011400, OMIM 604145.
Cardiomyopathy (CMYO). Also called: Cardiomyopathies. Identifiers: Orphanet 167848, MedGen C0878544, MONDO:0004994, HP:0001638. Inheritance: Various modes of inheritance.

Allele frequency attached by ClinVar (database versions not stated): gnomAD 0.00011 and 0.00013; gnomAD exomes 0.00011 and 0.00027; TOPMed 0.00012; ExAC 0.00024.
gnomAD v4.1: 198 of 1,612,798 alleles (0.012%); highest among the groups gnomAD compares: Middle Eastern, 0.016%; no homozygotes.

Submissions (7):

Labcorp Genetics (formerly Invitae), Labcorp
Classification: Benign for Dilated cardiomyopathy 1G; Autosomal recessive limb-girdle muscular dystrophy type 2J. Last evaluated: 2025-12-21. Review status: criteria provided, single submitter. Criteria: Invitae Variant Classification Sherloc (09022015). Collection method: clinical testing. Allele origin: germline.

PreventionGenetics, part of Exact Sciences
Classification: Likely benign for TTN-related condition. Last evaluated: 2025-04-16. Review status: criteria provided, single submitter. Criteria: ACMG Guidelines, 2015. Collection method: clinical testing. Allele origin: germline.
Comment: This variant is classified as likely benign based on ACMG/AMP sequence variant interpretation guidelines (Richards et al. 2015 PMID: 25741868, with internal and published modifications).

GeneDx
Classification: Likely benign. Last evaluated: 2021-03-09. Review status: criteria provided, single submitter. Criteria: GeneDx Variant Classification Process June 2021. Collection method: clinical testing. Allele origin: germline. Affected: yes.

Ambry Genetics
Classification: Likely benign for Cardiovascular phenotype. Last evaluated: 2018-11-23. Review status: criteria provided, single submitter. Criteria: Ambry Variant Classification Scheme 2023. Collection method: clinical testing. Allele origin: germline.

CHEO Genetics Diagnostic Laboratory, Children's Hospital of Eastern Ontario
Classification: Benign for Cardiomyopathy. Last evaluated: 2018-05-02. Review status: criteria provided, single submitter. Criteria: ACMG Guidelines, 2015. Collection method: clinical testing. Allele origin: germline.

Eurofins Ntd Llc (ga)
Classification: Uncertain significance. Last evaluated: 2017-01-30. Review status: criteria provided, single submitter. Criteria: EGL Classification Definitions 2015. Collection method: clinical testing. Allele origin: germline. Observed: 2 variant alleles, 2 heterozygotes.

Laboratory for Molecular Medicine, Mass General Brigham Personalized Medicine
Classification: Uncertain significance. Last evaluated: 2015-03-11. Review status: criteria provided, single submitter. Criteria: LMM Criteria. Collection method: clinical testing. Allele origin: germline. Observed: 3 variant alleles.
Comment: This variant has also been identified in 0.04% (28/66612) of European chromosomes by the Exome Aggregation Consortium (ExAC; dbSNP rs397517600). Computational prediction tool s and conservation analysis suggest that this variant may impact the protein, th ough this information is not predictive enough to determine pathogenicity. In su mmary, the clinical significance of the p.Glu14250Lys variant is uncertain.